The following is an entry in ClinVar:

NM_020361.5(CPA6):c.318G>C (p.Lys106Asn)

Gene: CPA6 (carboxypeptidase A6; minus strand). Cytogenetic location: 8q13.2.
Variant type: single nucleotide variant.
Coding change: c.318G>C on transcript NM_020361.5 (MANE Select); coding-DNA position 318, G replaced by C.
Protein change: p.Lys106Asn; replaces lysine 106 with asparagine.
Molecular consequence: missense variant.
Genome position (GRCh38, 1-based): chr8:67,511,655, C>G on the plus strand (G>C on the coding strand, the complement: CPA6 is on the minus strand). VCF-style: chr8-67511655-C-G. GRCh37 (hg19) VCF-style: chr8-68423890-C-G.
Other names: short protein forms K106N.
Identifiers: ClinVar variation 363612 (VCV000363612.13), dbSNP rs886063081, ClinGen allele CA10631533.

ClinVar aggregate classification (germline): Uncertain significance. Review status: criteria provided, multiple submitters, no conflicts (2 of 4 stars). 2 submissions from 2 submitters: Uncertain significance (2). Last evaluated 2022-10-03.

Conditions:
Familial temporal lobe epilepsy 5. Identifiers: MedGen C3280730, MONDO:0013741, OMIM 614417.
Febrile seizures, familial, 11 (FEB11). Also called: CONVULSIONS, FAMILIAL FEBRILE, 11. Identifiers: MedGen C3280734, MONDO:0024566, OMIM 614418.

gnomAD v4.1: 7 of 1,571,290 alleles (0.00045%); highest among the groups gnomAD compares: Non-Finnish European, 0.00061%; no homozygotes.

Submissions (2):

Labcorp Genetics (formerly Invitae), Labcorp
Classification: Uncertain significance for Febrile seizures, familial, 11. Last evaluated: 2022-10-03. Review status: criteria provided, single submitter. Criteria: Invitae Variant Classification Sherloc (09022015). Collection method: clinical testing. Allele origin: germline.
Comment: This sequence change replaces lysine, which is basic and polar, with asparagine, which is neutral and polar, at codon 106 of the CPA6 protein (p.Lys106Asn). This variant is not present in population databases (gnomAD no frequency). In summary, the available evidence is currently insufficient to determine the role of this variant in disease. Therefore, it has been classified as a Variant of Uncertain Significance. Algorithms developed to predict the effect of missense changes on protein structure and function (SIFT, PolyPhen-2, Align-GVGD) all suggest that this variant is likely to be tolerated. ClinVar contains an entry for this variant (Variation ID: 363612). This variant has not been reported in the literature in individuals affected with CPA6-related conditions.

Illumina Laboratory Services, Illumina
Classification: Uncertain significance for Familial temporal lobe epilepsy 5. Last evaluated: 2018-01-13. Review status: criteria provided, single submitter. Criteria: ICSL Variant Classification Criteria 13 December 2019. Collection method: clinical testing. Allele origin: germline.